The following is an entry in ClinVar:

ClinVar aggregate classification (germline): Pathogenic/Likely pathogenic. Review status: criteria provided, multiple submitters, no conflicts (2 of 4 stars). 3 submissions from 3 submitters: Pathogenic (2); Likely pathogenic (1). Last evaluated 2025-11-10.

Conditions:
Progressive muscular dystrophy. Identifiers: Orphanet 206644, MedGen C4551827, MONDO:0016106.

Submissions (3):

Myriad Genetics, Inc.
Classification: Likely pathogenic for Progressive muscular dystrophy. Last evaluated: 2025-11-10. Review status: criteria provided, single submitter. Criteria: Myriad Autosomal Dominant, Autosomal Recessive and X-Linked Classification Criteria (2023). Collection method: clinical testing. Allele origin: unknown.
Comment: NM_004006.2(DMD):c.6438+1_6438+5del5 is a variant in a canonical splice site classified as likely pathogenic in the context of dystrophinopathy (including Duchenne/Becker muscular dystrophy). c.6438+1_6438+5del5 has been observed in cases with relevant disease (PMID: 1303213, 32528171). Relevant functional assessments of this variant are not available in the literature. c.6438+1_6438+5del5 has not been observed in referenced population frequency databases. In summary, NM_004006.2(DMD):c.6438+1_6438+5del5 is a variant in a canonical splice site in a gene where loss of function is a known mechanism of disease, is predicted to disrupt protein function, and has been observed more frequently in cases with the relevant disease than in healthy populations. Please note: this variant was assessed in the context of healthy population screening.

Athena Diagnostics
Classification: Pathogenic. Last evaluated: 2025-09-04. Review status: criteria provided, single submitter. Criteria: Athena Diagnostics Criteria. Collection method: clinical testing. Allele origin: unknown.
Comment: This variant is expected to severely impact normal RNA splicing, and consequently, protein structure and/or function. This variant has not been reported in large, multi-ethnic general populations. This variant has been identified in at least one individual with clinical features associated with this gene.

Revvity Omics, Revvity
Classification: Pathogenic. Last evaluated: 2022-11-30. Review status: criteria provided, single submitter. Criteria: ACMG Guidelines, 2015. Collection method: clinical testing. Allele origin: germline.

Literature cited by the submitters: PubMed 1303213 (cited by Myriad Genetics, Inc.); PubMed 32528171 (cited by Myriad Genetics, Inc.).

NM_004006.3(DMD):c.6438+1_6438+5del

Gene: DMD (dystrophin; minus strand). Cytogenetic location: Xp21.1.
Variant type: Deletion.
Coding change: c.6438+1_6438+5del on transcript NM_004006.3 (MANE Select); the canonical splice donor site of the intron after coding-DNA position 6438 through 5 bases into the intron after coding-DNA position 6438, 5 bases deleted (GTAAG; older notation c.6438+1_6438+5delGTAAG).
Molecular consequence: splice donor variant.
Genome position (GRCh38, 1-based): chrX:32,216,911-32,216,915, CTTAC deleted on the plus strand (GTAAG on the coding strand, the reverse complement: DMD is on the minus strand); deleting any 5 consecutive bases within chrX:32,216,911-32,216,919 gives the same sequence; the c. name uses the placement nearest the transcript's 3' end. VCF-style (leftmost placement, unchanged base first): chrX-32216910-ACTTAC-A. GRCh37 (hg19) VCF-style: chrX-32235027-ACTTAC-A.
Other names: c.6414+1_6414+5del (NM_000109.4); c.2415+1_2415+5del (NM_004011.4); c.2406+1_2406+5del (NM_004012.4); c.6426+1_6426+5del (NM_004009.3); c.6069+1_6069+5del (NM_004010.3).
Identifiers: ClinVar variation 1322323 (VCV001322323.6), dbSNP rs2147864743, ClinGen allele CA2573055274.